The following is an entry in ClinVar:

ClinVar aggregate classification (germline): Uncertain significance. Review status: criteria provided, multiple submitters, no conflicts (2 of 4 stars). 2 submissions from 2 submitters: Uncertain significance (2). Last evaluated 2026-01-21.

Conditions:
Hyperphosphatasemia with bone disease (PDB5). Also called: PAGET DISEASE OF BONE 5, JUVENILE-ONSET; Paget disease of bone 5; HYPEROSTOSIS CORTICALIS DEFORMANS JUVENILIS; HYPERPHOSPHATASEMIA, CHRONIC CONGENITAL IDIOPATHIC; HYPERPHOSPHATASIA, FAMILIAL IDIOPATHIC; Osteoectasia familial. Identifiers: Orphanet 2801, MedGen C0268414, MONDO:0009394, OMIM 239000.

Allele frequency attached by ClinVar (database versions not stated): ESP Exome Variant Server 0.00008; gnomAD 0.00009; TOPMed 0.00011; ExAC 0.00015.
gnomAD v4.1: 229 of 1,614,150 alleles (0.014%); highest among the groups gnomAD compares: Non-Finnish European, 0.018%; no homozygotes.

Submissions (2):

Labcorp Genetics (formerly Invitae), Labcorp
Classification: Uncertain significance. Last evaluated: 2026-01-21. Review status: criteria provided, single submitter. Criteria: Invitae Variant Classification Sherloc (09022015). Collection method: clinical testing. Allele origin: germline.
Comment: This sequence change replaces arginine, which is basic and polar, with histidine, which is basic and polar, at codon 111 of the TNFRSF11B protein (p.Arg111His). This variant is present in population databases (rs200629343, gnomAD 0.03%). This variant has not been reported in the literature in individuals affected with TNFRSF11B-related conditions. ClinVar contains an entry for this variant (Variation ID: 910163). Invitae Evidence Modeling of protein sequence and biophysical properties (such as structural, functional, and spatial information, amino acid conservation, physicochemical variation, residue mobility, and thermodynamic stability) indicates that this missense variant is not expected to disrupt TNFRSF11B protein function with a negative predictive value of 80%. In summary, the available evidence is currently insufficient to determine the role of this variant in disease. Therefore, it has been classified as a Variant of Uncertain Significance.

Illumina Laboratory Services, Illumina
Classification: Uncertain significance for Hyperphosphatasemia with bone disease. Last evaluated: 2018-01-13. Review status: criteria provided, single submitter. Criteria: ICSL Variant Classification Criteria 13 December 2019. Collection method: clinical testing. Allele origin: germline.

NM_002546.4(TNFRSF11B):c.332G>A (p.Arg111His)

Gene: TNFRSF11B (TNF receptor superfamily member 11b; minus strand). Cytogenetic location: 8q24.12.
Variant type: single nucleotide variant.
Coding change: c.332G>A on transcript NM_002546.4 (MANE Select); coding-DNA position 332, G replaced by A.
Protein change: p.Arg111His; replaces arginine 111 with histidine.
Molecular consequence: missense variant.
Genome position (GRCh38, 1-based): chr8:118,932,999, C>T on the plus strand (G>A on the coding strand, the complement: TNFRSF11B is on the minus strand). VCF-style: chr8-118932999-C-T. GRCh37 (hg19) VCF-style: chr8-119945238-C-T.
Other names: short protein forms R111H.
Identifiers: ClinVar variation 910163 (VCV000910163.9), dbSNP rs200629343, ClinGen allele CA4854943.
Genomic context (GRCh38, chr8:118,932,999, plus strand): 5'-ACCACTCCAAATCCAGGAGGGCAGCTCCTATGTTTCAAGCAGAACTCTATCTCAAGGTAG[C>T]GCCCTTCCTTGCATTCGCACACGCGGTTGTGGGTGCGATTGCACTCCTGCTTGACGTACT-3'
Protein context (NP_002537.3, residues 101-121): HNRVCECKEG[Arg111His]YLEIEFCLKH